The following is an entry in ClinVar:

NM_001037.5(SCN1B):c.448+77C>A

Gene: SCN1B (sodium voltage-gated channel beta subunit 1; plus strand). Cytogenetic location: 19q13.11.
Variant type: single nucleotide variant.
Coding change: c.448+77C>A on transcript NM_001037.5 (MANE Select); 77 bases into the intron after coding-DNA position 448, C replaced by A.
Molecular consequence: intron variant. On other transcripts: missense variant (1).
Genome position (GRCh38, 1-based): chr19:35,033,816, C>A. VCF-style: chr19-35033816-C-A. GRCh37 (hg19) VCF-style: chr19-35524720-C-A.
Other names: c.525C>A, p.Asp175Glu (NM_199037.5); c.349+77C>A (NM_001321605.2); short protein forms D175E.
Identifiers: ClinVar variation 1475237 (VCV001475237.6), dbSNP rs2064230789, ClinGen allele CA405329235.

ClinVar aggregate classification (germline): Uncertain significance (1 of 4 stars; one submission).

Conditions:
Brugada syndrome 5 (BRGDA5). Identifiers: Orphanet 130, Orphanet 871, MedGen C2748541, MONDO:0013015, OMIM 612838.

Submission:

Labcorp Genetics (formerly Invitae), Labcorp
Classification: Uncertain significance for Brugada syndrome 5. Last evaluated: 2021-09-15. Review status: criteria provided, single submitter. Criteria: Invitae Variant Classification Sherloc (09022015). Collection method: clinical testing. Allele origin: germline.
Comment: In summary, the available evidence is currently insufficient to determine the role of this variant in disease. Therefore, it has been classified as a Variant of Uncertain Significance. Algorithms developed to predict the effect of missense changes on protein structure and function are either unavailable or do not agree on the potential impact of this missense change (SIFT: "Deleterious"; PolyPhen-2: "Possibly Damaging"; Align-GVGD: "Class C0"). This variant has not been reported in the literature in individuals affected with SCN1B-related conditions. This variant is not present in population databases (ExAC no frequency). This sequence change replaces aspartic acid with glutamic acid at codon 175 of the SCN1B protein (p.Asp175Glu). The aspartic acid residue is weakly conserved and there is a small physicochemical difference between aspartic acid and glutamic acid.